The following is an entry in ClinVar:

NM_004364.5(CEBPA):c.37C>G (p.Pro13Ala)

Genes: CEBPA (CCAAT enhancer binding protein alpha; minus strand), LOC130064183 (ATAC-STARR-seq lymphoblastoid silent region 10495; plus strand). Cytogenetic location: 19q13.11.
Variant type: single nucleotide variant.
Coding change: c.37C>G on transcript NM_004364.5 (MANE Select); coding-DNA position 37, C replaced by G.
Protein change: p.Pro13Ala; replaces proline 13 with alanine.
Molecular consequence: missense variant. On other transcripts: 5 prime UTR variant (2).
Genome position (GRCh38, 1-based): chr19:33,302,378, G>C on the plus strand (C>G on the coding strand, the complement: CEBPA is on the minus strand). VCF-style: chr19-33302378-G-C. GRCh37 (hg19) VCF-style: chr19-33793284-G-C.
Other names: c.-321C>G (NM_001285829.2); c.142C>G, p.Pro48Ala (NM_001287424.2); c.-6C>G (NM_001287435.2); c.37C>G (NM_004364.3); short protein forms P13A, P48A.
Identifiers: ClinVar variation 526818 (VCV000526818.10), dbSNP rs961496947, ClinGen allele CA405275813.

ClinVar aggregate classification (germline): Uncertain significance. Review status: criteria provided, multiple submitters, no conflicts (2 of 4 stars). 2 submissions from 2 submitters: Uncertain significance (2). Last evaluated 2026-04-28.

Conditions:
Inborn genetic diseases. Identifiers: MedGen C0950123, MeSH D030342.
Acute myeloid leukemia (AML). Also called: Leukemia, acute myeloid, somatic; Leukemia, acute myelogenous, somatic; Acute myeloid leukemia, adult; AML adult; Acute non-lymphocytic leukemia; Acute granulocytic leukemia. Identifiers: Orphanet 519, MedGen C0023467, MeSH D015470, MONDO:0018874, OMIM 601626, HP:0004808. Disease mechanism: Constitutively activated FLT3.

Allele frequency attached by ClinVar (database versions not stated): TOPMed 0.00002.

Submissions (2):

Ambry Genetics
Classification: Uncertain significance for Inborn genetic diseases. Last evaluated: 2026-04-28. Review status: criteria provided, single submitter. Criteria: Ambry Variant Classification Scheme 2023. Collection method: clinical testing. Allele origin: germline.
Comment: The p.P13A variant (also known as c.37C>G), located in coding exon 1 of the CEBPA gene, results from a C to G substitution at nucleotide position 37. The proline at codon 13 is replaced by alanine, an amino acid with highly similar properties. This amino acid position is conserved. In addition, this alteration is predicted to be tolerated by in silico analysis. Based on the available evidence, the clinical significance of this variant remains unclear.

Labcorp Genetics (formerly Invitae), Labcorp
Classification: Uncertain significance for Acute myeloid leukemia. Last evaluated: 2023-09-15. Review status: criteria provided, single submitter. Criteria: Invitae Variant Classification Sherloc (09022015). Collection method: clinical testing. Allele origin: germline.
Comment: In summary, the available evidence is currently insufficient to determine the role of this variant in disease. Therefore, it has been classified as a Variant of Uncertain Significance. An algorithm developed to predict the effect of missense changes on protein structure and function (PolyPhen-2) suggests that this variant is likely to be disruptive. ClinVar contains an entry for this variant (Variation ID: 526818). This variant has not been reported in the literature in individuals affected with CEBPA-related conditions. This variant is not present in population databases (gnomAD no frequency). This sequence change replaces proline, which is neutral and non-polar, with alanine, which is neutral and non-polar, at codon 13 of the CEBPA protein (p.Pro13Ala).